The following is an entry in ClinVar:

NM_001330588.2(TPP2):c.613G>A (p.Val205Ile)

Gene: TPP2 (tripeptidyl peptidase 2; plus strand). Cytogenetic location: 13q33.1.
Variant type: single nucleotide variant.
Coding change: c.613G>A on transcript NM_001330588.2 (MANE Select); coding-DNA position 613, G replaced by A.
Protein change: p.Val205Ile; replaces valine 205 with isoleucine.
Molecular consequence: missense variant. On other transcripts: non-coding transcript variant (1).
Genome position (GRCh38, 1-based): chr13:102,618,839, G>A. VCF-style: chr13-102618839-G-A. GRCh37 (hg19) VCF-style: chr13-103271189-G-A.
Other names: c.613G>A, p.Val205Ile (NM_001367947.1, NM_003291.4); c.613G>A (NM_003291.2); short protein forms V205I.
Identifiers: ClinVar variation 1504966 (VCV001504966.8), dbSNP rs765590263, ClinGen allele CA7037554.

ClinVar aggregate classification (germline): Uncertain significance. Review status: criteria provided, multiple submitters, no conflicts (2 of 4 stars). 2 submissions from 2 submitters: Uncertain significance (2). Last evaluated 2024-11-08.

Conditions:
Evans syndrome, immunodeficiency, and premature immunosenescence associated with tripeptidyl-peptidase II deficiency. Identifiers: MedGen CN231723. Disease mechanism: loss of function.
Inborn genetic diseases. Identifiers: MedGen C0950123, MeSH D030342.

Allele frequency attached by ClinVar (database versions not stated): gnomAD exomes below 0.00001; ExAC 0.00001; gnomAD 0.00001; TOPMed 0.00001.

Submissions (2):

Ambry Genetics
Classification: Uncertain significance for Inborn genetic diseases. Last evaluated: 2024-11-08. Review status: criteria provided, single submitter. Criteria: Ambry Variant Classification Scheme 2023. Collection method: clinical testing. Allele origin: germline.

Labcorp Genetics (formerly Invitae), Labcorp
Classification: Uncertain significance for Evans syndrome, immunodeficiency, and premature immunosenescence associated with tripeptidyl-peptidase II deficiency. Last evaluated: 2022-02-24. Review status: criteria provided, single submitter. Criteria: Invitae Variant Classification Sherloc (09022015). Collection method: clinical testing. Allele origin: germline.
Comment: In summary, the available evidence is currently insufficient to determine the role of this variant in disease. Therefore, it has been classified as a Variant of Uncertain Significance. Algorithms developed to predict the effect of missense changes on protein structure and function (SIFT, PolyPhen-2, Align-GVGD) all suggest that this variant is likely to be tolerated. This variant has not been reported in the literature in individuals affected with TPP2-related conditions. This variant is present in population databases (rs765590263, gnomAD 0.003%). This sequence change replaces valine, which is neutral and non-polar, with isoleucine, which is neutral and non-polar, at codon 205 of the TPP2 protein (p.Val205Ile).